The following is an entry in ClinVar:

ClinVar aggregate classification (germline): Uncertain significance. Review status: criteria provided, multiple submitters, no conflicts (2 of 4 stars). 2 submissions from 2 submitters: Uncertain significance (2). Last evaluated 2025-04-22.

Conditions:
Cardiovascular phenotype. Identifiers: MedGen CN230736.
Long QT syndrome (LQTS). Identifiers: MedGen C0023976, MeSH D008133, MONDO:0002442. Disease mechanism: loss of function. Inheritance: Various modes of inheritance.

Allele frequency attached by ClinVar (database versions not stated): gnomAD exomes below 0.00001.
gnomAD v4.1: 4 of 1,614,058 alleles (0.00025%); highest among the groups gnomAD compares: Non-Finnish European, 0.00034%; no homozygotes.

Submissions (2):

Labcorp Genetics (formerly Invitae), Labcorp
Classification: Uncertain significance for Long QT syndrome. Last evaluated: 2025-04-22. Review status: criteria provided, single submitter. Criteria: Invitae Variant Classification Sherloc (09022015). Collection method: clinical testing. Allele origin: germline.
Comment: This sequence change replaces serine, which is neutral and polar, with cysteine, which is neutral and slightly polar, at codon 2938 of the ANK2 protein (p.Ser2938Cys). This variant is not present in population databases (gnomAD no frequency). This variant has not been reported in the literature in individuals affected with ANK2-related conditions. ClinVar contains an entry for this variant (Variation ID: 2497626). An algorithm developed to predict the effect of missense changes on protein structure and function outputs the following: PolyPhen-2: "Benign". The cysteine amino acid residue is found in multiple mammalian species, which suggests that this missense change does not adversely affect protein function. In summary, the available evidence is currently insufficient to determine the role of this variant in disease. Therefore, it has been classified as a Variant of Uncertain Significance.

Ambry Genetics
Classification: Uncertain significance for Cardiovascular phenotype. Last evaluated: 2023-01-01. Review status: criteria provided, single submitter. Criteria: Ambry Variant Classification Scheme 2023. Collection method: clinical testing. Allele origin: germline.
Comment: The p.S2938C variant (also known as c.8813C>G), located in coding exon 38 of the ANK2 gene, results from a C to G substitution at nucleotide position 8813. The serine at codon 2938 is replaced by cysteine, an amino acid with dissimilar properties. This amino acid position is conserved. In addition, this alteration is predicted to be tolerated by in silico analysis. Since supporting evidence is limited at this time, the clinical significance of this alteration remains unclear.

NM_001148.6(ANK2):c.8813C>G (p.Ser2938Cys)

Gene: ANK2 (ankyrin 2; plus strand). Cytogenetic location: 4q26.
Variant type: single nucleotide variant.
Coding change: c.8813C>G on transcript NM_001148.6 (MANE Select); coding-DNA position 8813, C replaced by G.
Protein change: p.Ser2938Cys; replaces serine 2938 with cysteine.
Molecular consequence: missense variant. On other transcripts: intron variant (68).
Genome position (GRCh38, 1-based): chr4:113,357,431, C>G. VCF-style: chr4-113357431-C-G. GRCh37 (hg19) VCF-style: chr4-114278587-C-G.
Other names: c.8579C>G, p.Ser2860Cys (NM_001386142.1); c.5213C>G, p.Ser1738Cys (NM_001386166.1); c.8954C>G, p.Ser2985Cys (NM_001386174.1); c.8930C>G, p.Ser2977Cys (NM_001386175.1); c.4412-3392C>G (NM_001386186.2, NM_001386148.2); c.4214-3392C>G (NM_001354269.3); c.4292-3392C>G (NM_001386187.2); c.4253-3392C>G (NM_001386147.1); and 35 more; short protein forms S1738C, S2985C, S2860C, S2938C, S2977C.
Identifiers: ClinVar variation 2497626 (VCV002497626.3), dbSNP rs1564042909, ClinGen allele CA357934889.
Genomic context (GRCh38, chr4:113,357,431, plus strand): 5'-AAATCTATGATCCACAAATCACTAGCCCTTATGAAAATGTCCCTTCCCAATCTTTTTTCT[C>G]TAGTGAAGAAAGCAAAACCCAAACAGATGCAAATCACACCACAAGTTTTCACTCTTCTGA-3'
Protein context (NP_001139.3, residues 2928-2948): YENVPSQSFF[Ser2938Cys]SEESKTQTDA